The following is an entry in ClinVar:

ClinVar aggregate classification (germline): Uncertain significance (1 of 4 stars; one submission).

Conditions:
NIK deficiency. Also called: Primary immunodeficiency with multifaceted aberrant lymphoid immunity. Identifiers: Orphanet 447731, MedGen C5680065, MONDO:0018642.

Allele frequency attached by ClinVar (database versions not stated): gnomAD exomes below 0.00001 and 0.00001; gnomAD 0.00001; TOPMed 0.00001.
gnomAD v4.1: 2 of 1,613,818 alleles (0.00012%); highest among the groups gnomAD compares: Non-Finnish European, 0.00017%; no homozygotes.

Submission:

Labcorp Genetics (formerly Invitae), Labcorp
Classification: Uncertain significance for NIK deficiency. Last evaluated: 2022-02-08. Review status: criteria provided, single submitter. Criteria: Invitae Variant Classification Sherloc (09022015). Collection method: clinical testing. Allele origin: germline.
Comment: In summary, the available evidence is currently insufficient to determine the role of this variant in disease. Therefore, it has been classified as a Variant of Uncertain Significance. Experimental studies and prediction algorithms are not available or were not evaluated, and the functional significance of this variant is currently unknown. ClinVar contains an entry for this variant (Variation ID: 1035206). This variant has not been reported in the literature in individuals affected with MAP3K14-related conditions. This variant is present in population databases (no rsID available, gnomAD 0.002%). This sequence change replaces glycine, which is neutral and non-polar, with arginine, which is basic and polar, at codon 104 of the MAP3K14 protein (p.Gly104Arg).

NM_003954.5(MAP3K14):c.310G>A (p.Gly104Arg)

Gene: MAP3K14 (mitogen-activated protein kinase kinase kinase 14; minus strand). Cytogenetic location: 17q21.31.
Variant type: single nucleotide variant.
Coding change: c.310G>A on transcript NM_003954.5 (MANE Select); coding-DNA position 310, G replaced by A.
Protein change: p.Gly104Arg; replaces glycine 104 with arginine.
Molecular consequence: missense variant.
Genome position (GRCh38, 1-based): chr17:45,289,252, C>T on the plus strand (G>A on the coding strand, the complement: MAP3K14 is on the minus strand). VCF-style: chr17-45289252-C-T. GRCh37 (hg19) VCF-style: chr17-43366618-C-T.
Other names: short protein forms G104R.
Identifiers: ClinVar variation 1035206 (VCV001035206.7), dbSNP rs1303193256, ClinGen allele CA399891808.